The following is an entry in ClinVar:

NM_001018115.3(FANCD2):c.1016G>A (p.Gly339Asp)

Genes: FANCD2 (FA complementation group D2; plus strand), LOC107303338 (3p25 FANCD2 Alu-mediated recombination region; plus strand). Cytogenetic location: 3p25.3.
Variant type: single nucleotide variant.
Coding change: c.1016G>A on transcript NM_001018115.3 (MANE Select); coding-DNA position 1016, G replaced by A.
Protein change: p.Gly339Asp; replaces glycine 339 with aspartic acid.
Molecular consequence: missense variant.
Genome position (GRCh38, 1-based): chr3:10,043,510, G>A. VCF-style: chr3-10043510-G-A. GRCh37 (hg19) VCF-style: chr3-10085194-G-A.
Other names: c.1016G>A, p.Gly339Asp (NM_001319984.2, NM_001374253.1, NM_001374254.1 and 1 more transcripts); short protein forms G339D.
Identifiers: ClinVar variation 655267 (VCV000655267.1), dbSNP rs1575749612, ClinGen allele CA351730561.

ClinVar aggregate classification (germline): Uncertain significance (1 of 4 stars; one submission).

Conditions:
Fanconi anemia (FA). Also called: Fanconi's anemia. Identifiers: Orphanet 84, MedGen C0015625, MeSH D005199, MONDO:0019391.

Submission:

Labcorp Genetics (formerly Invitae), Labcorp
Classification: Uncertain significance for Fanconi anemia. Last evaluated: 2018-09-03. Review status: criteria provided, single submitter. Criteria: Invitae Variant Classification Sherloc (09022015). Collection method: clinical testing. Allele origin: germline.
Comment: This sequence change replaces glycine with aspartic acid at codon 339 of the FANCD2 protein (p.Gly339Asp). The glycine residue is weakly conserved and there is a moderate physicochemical difference between glycine and aspartic acid. This variant is not present in population databases (ExAC no frequency) and has not been reported in the literature in individuals with a FANCD2-related disease. Algorithms developed to predict the effect of missense changes on protein structure and function output the following: (SIFT: "Tolerated"; PolyPhen-2: "Benign"; Align-GVGD: "Class C0"). The aspartic acid amino acid residue is also found in multiple mammalian species, suggesting that this missense change does not adversely affect protein function. These predictions have not been confirmed by published functional studies. In summary, this variant is a novel missense change that is not predicted to affect protein function. There is no indication that it causes disease, but the available evidence is currently insufficient to prove that conclusively. Therefore, it has been classified as a Variant of Uncertain Significance.